The following is an entry in ClinVar:

ClinVar aggregate classification (germline): Uncertain significance (1 of 4 stars; one submission).

Conditions:
Familial melanoma. Also called: Hereditary melanoma; Hereditary cutaneous melanoma. Identifiers: Orphanet 618, MedGen C1512419, MONDO:0018961.

Submission:

Labcorp Genetics (formerly Invitae), Labcorp
Classification: Uncertain significance for Familial melanoma. Last evaluated: 2024-07-22. Review status: criteria provided, single submitter. Criteria: Invitae Variant Classification Sherloc (09022015). Collection method: clinical testing. Allele origin: germline.
Comment: This sequence change replaces proline, which is neutral and non-polar, with tyrosine, which is neutral and polar, at codon 250 of the CDK4 protein (p.Pro250Tyr). Information on the frequency of this variant in the gnomAD database is not available, as this variant may be reported differently in the database. This variant has not been reported in the literature in individuals affected with CDK4-related conditions. An algorithm developed to predict the effect of missense changes on protein structure and function (PolyPhen-2) suggests that this variant is likely to be tolerated. In summary, the available evidence is currently insufficient to determine the role of this variant in disease. Therefore, it has been classified as a Variant of Uncertain Significance.

NM_000075.4(CDK4):c.748_749delinsTA (p.Pro250Tyr)

Genes: CDK4 (cyclin dependent kinase 4; minus strand), TSPAN31 (tetraspanin 31; plus strand). Cytogenetic location: 12q14.1.
Variant type: Indel.
Coding change: c.748_749delinsTA on transcript NM_000075.4 (MANE Select); coding-DNA positions 748 to 749, CC replaced by TA.
Protein change: p.Pro250Tyr; replaces proline 250 with tyrosine.
Molecular consequence: missense variant. On other transcripts: 3 prime UTR variant (3).
Genome position (GRCh38, 1-based): chr12:57,749,252-57,749,253, GG replaced by TA on the plus strand (CC replaced by TA on the coding strand, the reverse complement: CDK4 is on the minus strand). VCF-style: chr12-57749252-GG-TA. GRCh37 (hg19) VCF-style: chr12-58143035-GG-TA.
Other names: c.*1962_*1963delinsTA (NM_001330168.2, NM_001330169.2, NM_005981.5); short protein forms P250Y.
Identifiers: ClinVar variation 3660151 (VCV003660151.2).